The following is an entry in ClinVar:

ClinVar aggregate classification (germline): Pathogenic/Likely pathogenic. Review status: criteria provided, multiple submitters, no conflicts (2 of 4 stars). 3 submissions from 3 submitters: Pathogenic (2); Likely pathogenic (1). Last evaluated 2024-10-23.

Conditions:
Gorlin syndrome. Also called: Nevoid Basal Cell Carcinoma Syndrome; Basal cell nevus syndrome. Identifiers: Orphanet 377, MedGen C0004779, MONDO:0007187.
Basal cell carcinoma, susceptibility to, 1. Also called: BCC1. Identifiers: MedGen C2751544, MONDO:0011556, OMIM 605462.
Holoprosencephaly 7 (HPE7). Identifiers: Orphanet 2162, MedGen C1835820, MONDO:0012562, OMIM 610828.
Basal cell nevus syndrome 1 (BCNS1). Also called: GORLIN-GOLTZ SYNDROME; MULTIPLE BASAL CELL NEVI, ODONTOGENIC KERATOCYSTS, AND SKELETAL ANOMALIES. Identifiers: MedGen CN376810, MONDO:0958174, OMIM 109400.

Submissions (3):

Dasa
Classification: Pathogenic. Last evaluated: 2024-10-23. Review status: criteria provided, single submitter. Criteria: DASA Assertion Criteria. Collection method: clinical testing. Allele origin: germline.
Comment: NM_000264.5(PTCH1):c.724C>T (p.Gln242*) introduces a premature termination codon predicted to result in loss of normal protein function. Loss-of-function is an established mechanism of disease for this gene. The variant is present at low frequency in population datasets. Based on the available data, this variant is classified as pathogenic.

Department of Pathology and Laboratory Medicine, Sinai Health System
Classification: Likely pathogenic for Basal cell nevus syndrome 1; Basal cell carcinoma, susceptibility to, 1; Holoprosencephaly 7. Last evaluated: 2024-10-04. Review status: criteria provided, single submitter. Criteria: ACMG Guidelines, 2015. Collection method: clinical testing. Allele origin: germline.

Labcorp Genetics (formerly Invitae), Labcorp
Classification: Pathogenic for Gorlin syndrome. Last evaluated: 2023-01-25. Review status: criteria provided, single submitter. Criteria: Invitae Variant Classification Sherloc (09022015). Collection method: clinical testing. Allele origin: germline.
Comment: This sequence change creates a premature translational stop signal (p.Gln242*) in the PTCH1 gene. It is expected to result in an absent or disrupted protein product. Loss-of-function variants in PTCH1 are known to be pathogenic (PMID: 16301862, 16419085). For these reasons, this variant has been classified as Pathogenic. ClinVar contains an entry for this variant (Variation ID: 837425). This variant has not been reported in the literature in individuals affected with PTCH1-related conditions. This variant is not present in population databases (gnomAD no frequency).

Literature cited by the submitters: PubMed 16301862 (cited by Labcorp Genetics (formerly Invitae), Labcorp); PubMed 16419085 (cited by Labcorp Genetics (formerly Invitae), Labcorp).

NM_000264.5(PTCH1):c.724C>T (p.Gln242Ter)

Gene: PTCH1 (patched 1; minus strand). Cytogenetic location: 9q22.32.
Variant type: single nucleotide variant.
Coding change: c.724C>T on transcript NM_000264.5 (MANE Select); coding-DNA position 724, C replaced by T.
Protein change: p.Gln242Ter; replaces glutamine 242 with a stop codon.
Molecular consequence: nonsense. On other transcripts: non-coding transcript variant (1).
Genome position (GRCh38, 1-based): chr9:95,481,971, G>A on the plus strand (C>T on the coding strand, the complement: PTCH1 is on the minus strand). VCF-style: chr9-95481971-G-A. GRCh37 (hg19) VCF-style: chr9-98244253-G-A.
Other names: c.526C>T, p.Gln176Ter (NM_001083602.3, NM_001354919.2); c.721C>T, p.Gln241Ter (NM_001083603.3); c.271C>T, p.Gln91Ter (NM_001083604.3, NM_001083605.3, NM_001083606.3 and 1 more transcripts); c.724C>T, p.Gln242Ter (NM_001354918.2); short protein forms Q176*, Q241*, Q242*, Q91*.
Identifiers: ClinVar variation 837425 (VCV000837425.10), dbSNP rs376353501, ClinGen allele CA374114833.